The following is an entry in ClinVar:

ClinVar aggregate classification (germline): Uncertain significance (1 of 4 stars; one submission).

Allele frequency attached by ClinVar (database versions not stated): TOPMed 0.00002.

Submission:

Labcorp Genetics (formerly Invitae), Labcorp
Classification: Uncertain significance. Last evaluated: 2022-08-03. Review status: criteria provided, single submitter. Criteria: Invitae Variant Classification Sherloc (09022015). Collection method: clinical testing. Allele origin: germline.
Comment: This sequence change replaces tyrosine, which is neutral and polar, with cysteine, which is neutral and slightly polar, at codon 247 of the C15orf41 protein (p.Tyr247Cys). In summary, the available evidence is currently insufficient to determine the role of this variant in disease. Therefore, it has been classified as a Variant of Uncertain Significance. Algorithms developed to predict the effect of missense changes on protein structure and function are either unavailable or do not agree on the potential impact of this missense change (SIFT: "Deleterious"; PolyPhen-2: "Probably Damaging"; Align-GVGD: "Class C0"). This missense change has been observed in individuals with congenital dyserythropoietic anemia (PMID: 33159567). This variant is present in population databases (no rsID available, gnomAD 0.0009%).

Literature cited by the submitters: PubMed 33159567.

NM_001321759.2(CDIN1):c.740A>G (p.Tyr247Cys)

Gene: CDIN1 (CDAN1 interacting nuclease 1; plus strand). Cytogenetic location: 15q14.
Variant type: single nucleotide variant.
Coding change: c.740A>G on transcript NM_001321759.2 (MANE Select); coding-DNA position 740, A replaced by G.
Protein change: p.Tyr247Cys; replaces tyrosine 247 with cysteine.
Molecular consequence: missense variant. On other transcripts: 3 prime UTR variant (1).
Genome position (GRCh38, 1-based): chr15:36,808,347, A>G. VCF-style: chr15-36808347-A-G. GRCh37 (hg19) VCF-style: chr15-37100548-A-G.
Other names: c.740A>G, p.Tyr247Cys (NM_001130010.3); c.446A>G, p.Tyr149Cys (NM_001290232.2, NM_001321756.2, NM_032499.6); c.371A>G, p.Tyr124Cys (NM_001321757.2); c.629A>G, p.Tyr210Cys (NM_001321758.2); c.*7A>G (NM_001321760.2); c.758A>G, p.Tyr253Cys (NM_001321761.2); short protein forms Y210C, Y247C, Y253C, Y149C, Y124C.
Identifiers: ClinVar variation 1970455 (VCV001970455.5), dbSNP rs997419154, ClinGen allele CA269117014.